The following is an entry in ClinVar:

NM_014714.4(IFT140):c.4180_4182+12del

Gene: IFT140 (intraflagellar transport 140; minus strand). Cytogenetic location: 16p13.3.
Variant type: Deletion.
Coding change: c.4180_4182+12del on transcript NM_014714.4 (MANE Select); coding-DNA position 4180 through 12 bases into the intron after coding-DNA position 4182, 15 bases deleted (ACGGTGAGGCCTGAG).
Molecular consequence: splice donor variant.
Genome position (GRCh38, 1-based): chr16:1,518,204-1,518,218, CTCAGGCCTCACCGT deleted on the plus strand (ACGGTGAGGCCTGAG on the coding strand, the reverse complement: IFT140 is on the minus strand); deleting any 15 consecutive bases within chr16:1,518,204-1,518,220 gives the same sequence; the c. name uses the placement nearest the transcript's 3' end. VCF-style (leftmost placement, unchanged base first): chr16-1518203-ACTCAGGCCTCACCGT-A. GRCh37 (hg19) VCF-style: chr16-1568204-ACTCAGGCCTCACCGT-A.
Identifiers: ClinVar variation 2020173 (VCV002020173.4), dbSNP rs2506063078, ClinGen allele CA2580090436.
Genomic context (GRCh38, chr16:1,518,203, plus strand): 5'-TTGAGCCGTTAAGCCTTCGTTTCAGGAGCCTTGTGTGGCGGGATGCTGCTAGTGAGCAGC[ACTCAGGCCTCACCGT>A]CTGGTATTCCTCCTTCCGCACGTAGTGCTCCACCAGGAAGCCATAGACGTCCCCGATGCG-3'

ClinVar aggregate classification (germline): Uncertain significance (1 of 4 stars; one submission).

Conditions:
Saldino-Mainzer syndrome (SRTD9). Also called: CONORENAL SYNDROME; Renal dysplasia, retinal pigmentary dystrophy, cerebellar ataxia and skeletal dysplasia; SHORT-RIB THORACIC DYSPLASIA 9 WITHOUT POLYDACTYLY; short-rib thoracic dysplasia 9 with or without polydactyly. Identifiers: Orphanet 140969, MedGen C1849437, MONDO:0009964, OMIM 266920.

Submission:

Labcorp Genetics (formerly Invitae), Labcorp
Classification: Uncertain significance for Saldino-Mainzer syndrome. Last evaluated: 2025-04-17. Review status: criteria provided, single submitter. Criteria: Invitae Variant Classification Sherloc (09022015). Collection method: clinical testing. Allele origin: germline.
Comment: This variant results in the deletion of part of exon 30 (c.4180_4182+12del) of the IFT140 gene. While this variant is not anticipated to result in nonsense mediated decay, it likely alters RNA splicing and results in a disrupted protein product. This variant is not present in population databases (gnomAD no frequency). This variant has not been reported in the literature in individuals affected with IFT140-related conditions. ClinVar contains an entry for this variant (Variation ID: 2020173). Variants that disrupt the consensus splice site are a relatively common cause of aberrant splicing (PMID: 17576681, 9536098). This variant disrupts a region of the IFT140 protein in which other variant(s) (p.Leu1399Pro) have been observed in individuals with IFT140-related conditions (PMID: 26216056). This suggests that this is a clinically significant region of the protein, and that variants that disrupt it are likely to be disease-causing. In summary, the available evidence is currently insufficient to determine the role of this variant in disease. Therefore, it has been classified as a Variant of Uncertain Significance.

Literature cited by the submitters: PubMed 17576681; PubMed 9536098; PubMed 26216056.